The following is an entry in ClinVar:

NM_007055.4(POLR3A):c.2447G>A (p.Arg816Lys)

Gene: POLR3A (RNA polymerase III subunit A; minus strand). Cytogenetic location: 10q22.3.
Variant type: single nucleotide variant.
Coding change: c.2447G>A on transcript NM_007055.4 (MANE Select); coding-DNA position 2447, G replaced by A.
Protein change: p.Arg816Lys; replaces arginine 816 with lysine.
Molecular consequence: missense variant.
Genome position (GRCh38, 1-based): chr10:78,001,007, C>T on the plus strand (G>A on the coding strand, the complement: POLR3A is on the minus strand). VCF-style: chr10-78001007-C-T. GRCh37 (hg19) VCF-style: chr10-79760765-C-T.
Other names: short protein forms R816K.
Identifiers: ClinVar variation 2000172 (VCV002000172.4), dbSNP rs1847351634, ClinGen allele CA377336256.

ClinVar aggregate classification (germline): Uncertain significance. Review status: criteria provided, multiple submitters, no conflicts (2 of 4 stars). 2 submissions from 2 submitters: Uncertain significance (2). Last evaluated 2022-07-15.

Conditions:
Leukodystrophy, hypomyelinating, 7, with or without oligodontia and/or hypogonadotropic hypogonadism (HLD7). Also called: LEUKOENCEPHALOPATHY, HYPOMYELINATING, WITH ATAXIA AND DELAYED DENTITION; ATAXIA, DELAYED DENTITION, AND HYPOMYELINATION; Ataxia, Delayed Dentition and Hypomyelination (ADDH); LEUKODYSTROPHY, HYPOMYELINATING, 7, WITH OLIGODONTIA; LEUKODYSTROPHY, HYPOMYELINATING, 7, WITH OLIGODONTIA AND HYPOGONADOTROPIC HYPOGONADISM; LEUKODYSTROPHY, HYPOMYELINATING, 7, WITHOUT OLIGODONTIA OR HYPOGONADOTROPIC HYPOGONADISM. Identifiers: Orphanet 137639, Orphanet 447893, Orphanet 447896, Orphanet 77295, Orphanet 88637, MedGen CN034185, MONDO:0011897, OMIM 607694.

Allele frequency attached by ClinVar (database versions not stated): TOPMed below 0.00001.

Submissions (2):

Labcorp Genetics (formerly Invitae), Labcorp
Classification: Uncertain significance. Last evaluated: 2022-07-15. Review status: criteria provided, single submitter. Criteria: Invitae Variant Classification Sherloc (09022015). Collection method: clinical testing. Allele origin: germline.
Comment: This sequence change replaces arginine, which is basic and polar, with lysine, which is basic and polar, at codon 816 of the POLR3A protein (p.Arg816Lys). This variant is not present in population databases (gnomAD no frequency). This missense change has been observed in individual(s) with clinical features of leukodystrophy (Invitae). Algorithms developed to predict the effect of missense changes on protein structure and function are either unavailable or do not agree on the potential impact of this missense change (SIFT: "Deleterious"; PolyPhen-2: "Probably Damaging"; Align-GVGD: "Class C0"). In summary, the available evidence is currently insufficient to determine the role of this variant in disease. Therefore, it has been classified as a Variant of Uncertain Significance.

Neuberg Centre For Genomic Medicine, NCGM
Classification: Uncertain significance for Leukodystrophy, hypomyelinating, 7, with or without oligodontia and/or hypogonadotropic hypogonadism. Review status: criteria provided, single submitter. Criteria: ACMG Guidelines, 2015. Collection method: clinical testing. Allele origin: germline. Inheritance: Autosomal recessive inheritance. Affected: yes.
Comment: The missense variant p.R816K in POLR3A (NM_007055.4) has not been reported previously as a pathogenic variant nor as a benign variant, to our knowledge. The p.R816K variant is novel (not in any individuals) in gnomAD Exomes and is novel (not in any individuals) in 1000 Genomes. There is a small physicochemical difference between arginine and lysine, which is not likely to impact secondary protein structure as these residues share similar properties. The p.R816K missense variant is predicted to be damaging by both SIFT and PolyPhen2. The arginine residue at codon 816 of POLR3A is conserved in all mammalian species. The nucleotide c.2447 in POLR3A is predicted conserved by GERP++ and PhyloP across 100 vertebrates. For these reasons, this variant has been classified as Uncertain Significance.